The following is an entry in ClinVar:

NM_006907.4(PYCR1):c.751C>T (p.Arg251Cys)

Gene: PYCR1 (pyrroline-5-carboxylate reductase 1; minus strand). Cytogenetic location: 17q25.3.
Variant type: single nucleotide variant.
Coding change: c.751C>T on transcript NM_006907.4 (MANE Select); coding-DNA position 751, C replaced by T.
Protein change: p.Arg251Cys; replaces arginine 251 with cysteine.
Molecular consequence: missense variant. On other transcripts: intron variant (1).
Genome position (GRCh38, 1-based): chr17:81,934,372, G>A on the plus strand (C>T on the coding strand, the complement: PYCR1 is on the minus strand). VCF-style: chr17-81934372-G-A. GRCh37 (hg19) VCF-style: chr17-79892248-G-A.
Other names: c.658C>T, p.Arg220Cys (NM_001282279.2); c.751C>T, p.Arg251Cys (NM_001282280.2, NM_153824.3); c.832C>T, p.Arg278Cys (NM_001282281.2); c.633+281C>T (NM_001330523.2); c.751C>T (NM_153824.2); short protein forms R220C, R251C, R278C.
Identifiers: ClinVar variation 986091 (VCV000986091.11), dbSNP rs756363870, ClinGen allele CA8845328.
Genomic context (GRCh38, chr17:81,934,372, plus strand): 5'-GCGCGGGGGCCCACCGTGTGCGGATGCAGGAGGCCTCCACAGCGTTGATGAGCAGGGAGC[G>A]GAAGCCCCCACTCTCCAGCACATGCAAGGCATGGATGGTGGCCCCACCAGGAGAGCTGAC-3'
Protein context (NP_008838.2, residues 241-261): ALHVLESGGF[Arg251Cys]SLLINAVEAS

ClinVar aggregate classification (germline): Conflicting classifications of pathogenicity. Review status: criteria provided, conflicting classifications (1 of 4 stars). 4 submissions from 4 submitters: Pathogenic (1); Uncertain significance (2). 1 of the submissions does not count toward it. Last evaluated 2024-03-29.

Conditions:
Autosomal recessive cutis laxa type 2B (ARCL2B). Also called: CUTIS LAXA, AUTOSOMAL RECESSIVE, TYPE IIB; CUTIS LAXA WITH PROGEROID FEATURES. Identifiers: Orphanet 357064, MedGen C2751987, MONDO:0013051, OMIM 612940. Disease mechanism: loss of function.
Inborn genetic diseases. Identifiers: MedGen C0950123, MeSH D030342.

Allele frequency attached by ClinVar (database versions not stated): ExAC 0.00001; gnomAD exomes 0.00001; gnomAD 0.00003 and 0.00004; TOPMed 0.00003.

Submissions (4):

Women's Health and Genetics/Laboratory Corporation of America, LabCorp
Classification: Uncertain significance. Last evaluated: 2024-03-29. Review status: criteria provided, single submitter. Criteria: LabCorp Variant Classification Summary - May 2015. Collection method: clinical testing. Allele origin: germline.
Comment: Variant summary: PYCR1 c.751C>T (p.Arg251Cys) results in a non-conservative amino acid change located in the Pyrroline-5-carboxylate reductase, dimerisation domain (IPR029036) of the encoded protein sequence. Five of five in-silico tools predict a damaging effect of the variant on protein function. The variant allele was found at a frequency of 8.1e-06 in 247982 control chromosomes (gnomAD). The available data on variant occurrences in the general population are insufficient to allow any conclusion about variant significance. c.751C>T has been reported in the literature in an individual affected with features of Cutis Laxa - PYCR1 Related (Huang_2018). These data do not allow any conclusion about variant significance. To our knowledge, no experimental evidence demonstrating an impact on protein function has been reported. The following publication has been ascertained in the context of this evaluation (PMID: 30138938). ClinVar contains an entry for this variant (Variation ID: 986091). Based on the evidence outlined above, the variant was classified as uncertain significance.

Labcorp Genetics (formerly Invitae), Labcorp
Classification: Uncertain significance. Last evaluated: 2022-11-15. Review status: criteria provided, single submitter. Criteria: Invitae Variant Classification Sherloc (09022015). Collection method: clinical testing. Allele origin: germline.
Comment: In summary, the available evidence is currently insufficient to determine the role of this variant in disease. Therefore, it has been classified as a Variant of Uncertain Significance. This variant disrupts the p.Arg251 amino acid residue in PYCR1. Other variant(s) that disrupt this residue have been observed in individuals with PYCR1-related conditions (PMID: 19648921), which suggests that this may be a clinically significant amino acid residue. Advanced modeling of protein sequence and biophysical properties (such as structural, functional, and spatial information, amino acid conservation, physicochemical variation, residue mobility, and thermodynamic stability) performed at Invitae indicates that this missense variant is expected to disrupt PYCR1 protein function. ClinVar contains an entry for this variant (Variation ID: 986091). This missense change has been observed in individual(s) with clinical features of cutis laxa (PMID: 30138938). This variant is present in population databases (rs756363870, gnomAD 0.007%). This sequence change replaces arginine, which is basic and polar, with cysteine, which is neutral and slightly polar, at codon 251 of the PYCR1 protein (p.Arg251Cys).

Ambry Genetics
Classification: Pathogenic for Inborn genetic diseases. Last evaluated: 2018-01-03. Review status: criteria provided, single submitter. Criteria: Ambry exome assertion method (8-5-2015). Collection method: clinical testing. Allele origin: germline. Affected: yes. Observed: 1 variant allele.

Zotz-Klimas Genetics Lab, MVZ Zotz Klimas
Classification: Likely pathogenic for Autosomal recessive cutis laxa type 2B. Last evaluated: 2023-11-02. Review status: no assertion criteria provided. Collection method: clinical testing. Allele origin: germline. Affected: yes. Not counted in ClinVar's aggregate classification.

Literature cited by the submitters: PubMed 30138938 (cited by Women's Health and Genetics/Laboratory Corporation of America, LabCorp and Labcorp Genetics (formerly Invitae), Labcorp); PubMed 19648921 (cited by Labcorp Genetics (formerly Invitae), Labcorp and Ambry Genetics); PubMed 16233902 (cited by Ambry Genetics).